The following is an entry in ClinVar:

ClinVar aggregate classification (germline): Uncertain significance (1 of 4 stars; one submission).

Conditions:
Leber congenital amaurosis 4 (LCA4). Identifiers: MedGen C1858386, MONDO:0011458, OMIM 604393.

Submission:

Labcorp Genetics (formerly Invitae), Labcorp
Classification: Uncertain significance for Leber congenital amaurosis 4. Last evaluated: 2022-01-11. Review status: criteria provided, single submitter. Criteria: Invitae Variant Classification Sherloc (09022015). Collection method: clinical testing. Allele origin: germline.
Comment: In summary, the available evidence is currently insufficient to determine the role of this variant in disease. Therefore, it has been classified as a Variant of Uncertain Significance. Algorithms developed to predict the effect of missense changes on protein structure and function output the following: SIFT: "Tolerated"; PolyPhen-2: "Benign"; Align-GVGD: "Class C0". The leucine amino acid residue is found in multiple mammalian species, which suggests that this missense change does not adversely affect protein function. This variant has not been reported in the literature in individuals affected with AIPL1-related conditions. This variant is not present in population databases (gnomAD no frequency). This sequence change replaces valine, which is neutral and non-polar, with leucine, which is neutral and non-polar, at codon 269 of the AIPL1 protein (p.Val269Leu).

NM_014336.5(AIPL1):c.805G>T (p.Val269Leu)

Gene: AIPL1 (AIP like 1 HSP90 co-chaperone; minus strand). Cytogenetic location: 17p13.2.
Variant type: single nucleotide variant.
Coding change: c.805G>T on transcript NM_014336.5 (MANE Select); coding-DNA position 805, G replaced by T.
Protein change: p.Val269Leu; replaces valine 269 with leucine.
Molecular consequence: missense variant. On other transcripts: 3 prime UTR variant (1).
Genome position (GRCh38, 1-based): chr17:6,425,810, C>A on the plus strand (G>T on the coding strand, the complement: AIPL1 is on the minus strand). VCF-style: chr17-6425810-C-A. GRCh37 (hg19) VCF-style: chr17-6329130-C-A.
Other names: c.616G>T, p.Val206Leu (NM_001033054.3); c.625G>T, p.Val209Leu (NM_001033055.3); c.769G>T, p.Val257Leu (NM_001285399.3); c.739G>T, p.Val247Leu (NM_001285400.3); c.733G>T, p.Val245Leu (NM_001285401.3); c.688G>T, p.Val230Leu (NM_001285402.2); c.*776G>T (NM_001285403.4); short protein forms V209L, V230L, V269L, V257L, V206L, V245L, V247L.
Identifiers: ClinVar variation 2061611 (VCV002061611.4), dbSNP rs774143285, ClinGen allele CA397394886.